The following is an entry in ClinVar:

ClinVar aggregate classification (germline): Uncertain significance (1 of 4 stars; one submission).

Allele frequency attached by ClinVar (database versions not stated): gnomAD 0.00001; ExAC 0.00002.
gnomAD v4.1: 23 of 1,613,740 alleles (0.0014%); highest among the groups gnomAD compares: Admixed American, 0.0017%; no homozygotes.

Submission:

Labcorp Genetics (formerly Invitae), Labcorp
Classification: Uncertain significance. Last evaluated: 2022-07-21. Review status: criteria provided, single submitter. Criteria: Invitae Variant Classification Sherloc (09022015). Collection method: clinical testing. Allele origin: germline.
Comment: This sequence change replaces proline, which is neutral and non-polar, with leucine, which is neutral and non-polar, at codon 1380 of the GPR179 protein (p.Pro1380Leu). This variant is present in population databases (rs764207680, gnomAD 0.003%). This variant has not been reported in the literature in individuals affected with GPR179-related conditions. Algorithms developed to predict the effect of missense changes on protein structure and function output the following: SIFT: "Tolerated"; PolyPhen-2: "Benign"; Align-GVGD: "Class C0". The leucine amino acid residue is found in multiple mammalian species, which suggests that this missense change does not adversely affect protein function. In summary, the available evidence is currently insufficient to determine the role of this variant in disease. Therefore, it has been classified as a Variant of Uncertain Significance.

NM_001004334.4(GPR179):c.4139C>T (p.Pro1380Leu)

Gene: GPR179 (G protein-coupled receptor 179; minus strand). Cytogenetic location: 17q12.
Variant type: single nucleotide variant.
Coding change: c.4139C>T on transcript NM_001004334.4 (MANE Select); coding-DNA position 4139, C replaced by T.
Protein change: p.Pro1380Leu; replaces proline 1380 with leucine.
Molecular consequence: missense variant.
Genome position (GRCh38, 1-based): chr17:38,329,430, G>A on the plus strand (C>T on the coding strand, the complement: GPR179 is on the minus strand). VCF-style: chr17-38329430-G-A. GRCh37 (hg19) VCF-style: chr17-36485313-G-A.
Other names: short protein forms P1380L.
Identifiers: ClinVar variation 1919073 (VCV001919073.2), dbSNP rs764207680, ClinGen allele CA290104393.